The following is an entry in ClinVar:

NM_001042413.2(GLIS3):c.2528G>A (p.Arg843Lys)

Gene: GLIS3 (GLIS family zinc finger 3; minus strand). Cytogenetic location: 9p24.2.
Variant type: single nucleotide variant.
Coding change: c.2528G>A on transcript NM_001042413.2 (MANE Select); coding-DNA position 2528, G replaced by A.
Protein change: p.Arg843Lys; replaces arginine 843 with lysine.
Molecular consequence: missense variant.
Genome position (GRCh38, 1-based): chr9:3,829,438, C>T on the plus strand (G>A on the coding strand, the complement: GLIS3 is on the minus strand). VCF-style: chr9-3829438-C-T. GRCh37 (hg19) VCF-style: chr9-3829438-C-T.
Other names: c.2063G>A, p.Arg688Lys (NM_152629.4); short protein forms R688K, R843K.
Identifiers: ClinVar variation 1030059 (VCV001030059.1), dbSNP rs1470189708, ClinGen allele CA372804459.

ClinVar aggregate classification (germline): Uncertain significance (1 of 4 stars; one submission).

Conditions:
Neonatal diabetes mellitus with congenital hypothyroidism. Also called: NDH SYNDROME. Identifiers: Orphanet 79118, MedGen C1857775, MONDO:0012436, OMIM 610199.

Allele frequency attached by ClinVar (database versions not stated): gnomAD exomes below 0.00001.
gnomAD v4.1: 2 of 1,614,114 alleles (0.00012%); highest among the groups gnomAD compares: Middle Eastern, 0.016%; no homozygotes.

Submission:

Baylor Genetics
Classification: Uncertain significance for Neonatal diabetes mellitus with congenital hypothyroidism. Last evaluated: 2019-09-26. Review status: criteria provided, single submitter. Criteria: ACMG Guidelines, 2015. Collection method: clinical testing. Allele origin: unknown. Affected: yes.
Comment: This variant was determined to be of uncertain significance according to ACMG Guidelines, 2015 [PMID:25741868].